The following is an entry in ClinVar:

NM_002474.3(MYH11):c.3673A>C (p.Asn1225His)

Gene: MYH11 (myosin heavy chain 11; minus strand). Cytogenetic location: 16p13.11.
Variant type: single nucleotide variant.
Coding change: c.3673A>C on transcript NM_002474.3 (MANE Select); coding-DNA position 3673, A replaced by C.
Protein change: p.Asn1225His; replaces asparagine 1225 with histidine.
Molecular consequence: missense variant.
Genome position (GRCh38, 1-based): chr16:15,727,033, T>G on the plus strand (A>C on the coding strand, the complement: MYH11 is on the minus strand). VCF-style: chr16-15727033-T-G. GRCh37 (hg19) VCF-style: chr16-15820890-T-G.
Other names: c.3694A>C, p.Asn1232His (NM_001040113.2, NM_001040114.2); c.3673A>C, p.Asn1225His (NM_022844.3); short protein forms N1232H, N1225H.
Identifiers: ClinVar variation 534154 (VCV000534154.9), dbSNP rs1035637500, ClinGen allele CA278609931.

ClinVar aggregate classification (germline): Uncertain significance. Review status: criteria provided, multiple submitters, no conflicts (2 of 4 stars). 2 submissions from 2 submitters: Uncertain significance (2). Last evaluated 2025-07-17.

Conditions:
Familial thoracic aortic aneurysm and aortic dissection (TAAD). Also called: Thoracic aortic aneurysms and dissections. Identifiers: Orphanet 91387, MedGen C4707243, MONDO:0019625.
Aortic aneurysm, familial thoracic 4 (AAT4). Also called: AORTIC ANEURYSM/AORTIC DISSECTION AND PATENT DUCTUS ARTERIOSUS. Identifiers: MedGen C1851504, MONDO:0007568, OMIM 132900.

Allele frequency attached by ClinVar (database versions not stated): gnomAD exomes below 0.00001; TOPMed below 0.00001.
gnomAD v4.1: 1 of 1,611,876 alleles (0.000062%); highest among the groups gnomAD compares: Admixed American, 0.0017%; no homozygotes.

Submissions (2):

Color Diagnostics, LLC DBA Color Health
Classification: Uncertain significance for Familial thoracic aortic aneurysm and aortic dissection. Last evaluated: 2025-07-17. Review status: criteria provided, single submitter. Criteria: ACMG Guidelines, 2015. Collection method: clinical testing. Allele origin: germline.
Comment: This missense variant replaces asparagine with histidine at codon 1232 of the MYH11 protein. Computational prediction suggests that this variant may not impact protein structure and function. To our knowledge, functional studies have not been reported for this variant. This variant has not been reported in individuals affected with MYH11-related disorders in the literature. This variant has been identified in 1/250976 chromosomes in the general population by the Genome Aggregation Database (gnomAD). The available evidence is insufficient to determine the role of this variant in disease conclusively. Therefore, this variant is classified as a Variant of Uncertain Significance.

Labcorp Genetics (formerly Invitae), Labcorp
Classification: Uncertain significance for Aortic aneurysm, familial thoracic 4. Last evaluated: 2022-08-09. Review status: criteria provided, single submitter. Criteria: Invitae Variant Classification Sherloc (09022015). Collection method: clinical testing. Allele origin: germline.
Comment: This variant is present in population databases (no rsID available, gnomAD 0.003%). This sequence change replaces asparagine, which is neutral and polar, with histidine, which is basic and polar, at codon 1232 of the MYH11 protein (p.Asn1232His). This variant has not been reported in the literature in individuals affected with MYH11-related conditions. In summary, the available evidence is currently insufficient to determine the role of this variant in disease. Therefore, it has been classified as a Variant of Uncertain Significance. Algorithms developed to predict the effect of missense changes on protein structure and function are either unavailable or do not agree on the potential impact of this missense change (SIFT: "Deleterious"; PolyPhen-2: "Benign"; Align-GVGD: "Class C0"). ClinVar contains an entry for this variant (Variation ID: 534154).